The following is an entry in ClinVar:

NM_000245.4(MET):c.3321T>C (p.Cys1107=)

Gene: MET (MET proto-oncogene, receptor tyrosine kinase; plus strand). Cytogenetic location: 7q31.2.
Variant type: single nucleotide variant.
Coding change: c.3321T>C on transcript NM_000245.4 (MANE Select); coding-DNA position 3321, T replaced by C.
Protein change: p.Cys1107=; no amino-acid change (cysteine 1107 retained).
Molecular consequence: synonymous variant.
Genome position (GRCh38, 1-based): chr7:116,777,450, T>C. VCF-style: chr7-116777450-T-C. GRCh37 (hg19) VCF-style: chr7-116417504-T-C.
Other names: c.3375T>C, p.Cys1125= (NM_001127500.3); c.2031T>C, p.Cys677= (NM_001324402.2).
Identifiers: ClinVar variation 705446 (VCV000705446.14), dbSNP rs1584959989, ClinGen allele CA457218603.

ClinVar aggregate classification (germline): Conflicting classifications of pathogenicity. Review status: criteria provided, conflicting classifications (1 of 4 stars). 4 submissions from 4 submitters: Uncertain significance (1); Benign (1); Likely benign (2). Last evaluated 2026-01-20.

Conditions:
Renal cell carcinoma. Identifiers: Orphanet 217071, MedGen C0007134, MeSH D002292, MONDO:0005086, HP:0005584.
Papillary renal cell carcinoma type 1 (RCCP1). Also called: Renal adenocarcinoma; Renal cell carcinoma 1; Renal cell carcinoma, somatic; RENAL CELL CARCINOMA, PAPILLARY, 1, SOMATIC. Identifiers: Orphanet 47044, MedGen C1336839, OMIM 605074, HP:0011797.
Hereditary cancer-predisposing syndrome. Also called: Neoplastic Syndromes, Hereditary; Hereditary Cancer Syndrome; Tumor predisposition; Hereditary neoplastic syndrome. Identifiers: Orphanet 140162, MedGen C0027672, MeSH D009386, MONDO:0015356.

Allele frequency attached by ClinVar (database versions not stated): gnomAD exomes below 0.00001.
gnomAD v4.1: 2 of 1,613,880 alleles (0.00012%); highest among the groups gnomAD compares: Non-Finnish European, 0.00017%; no homozygotes.

Submissions (4):

Labcorp Genetics (formerly Invitae), Labcorp
Classification: Likely benign for Renal cell carcinoma. Last evaluated: 2026-01-20. Review status: criteria provided, single submitter. Criteria: Invitae Variant Classification Sherloc (09022015). Collection method: clinical testing. Allele origin: germline.

Myriad Genetics, Inc.
Classification: Benign for Papillary renal cell carcinoma type 1. Last evaluated: 2024-11-13. Review status: criteria provided, single submitter. Criteria: Myriad Autosomal Dominant, Autosomal Recessive and X-Linked Classification Criteria (2023). Collection method: clinical testing. Allele origin: unknown.
Comment: This variant is considered benign. This variant is a silent/synonymous amino acid change and it is not expected to impact splicing.

GeneDx
Classification: Uncertain significance. Last evaluated: 2022-12-13. Review status: criteria provided, single submitter. Criteria: GeneDx Variant Classification Process June 2021. Collection method: clinical testing. Allele origin: germline. Affected: yes.
Comment: Not observed at significant frequency in large population cohorts (gnomAD); In silico analysis supports that this variant does not alter splicing; Has not been previously published as pathogenic or benign to our knowledge

Ambry Genetics
Classification: Likely benign for Hereditary cancer-predisposing syndrome. Last evaluated: 2022-04-22. Review status: criteria provided, single submitter. Criteria: Ambry Variant Classification Scheme 2023. Collection method: clinical testing. Allele origin: germline.